The following is an entry in ClinVar:

ClinVar aggregate classification (germline): Uncertain significance (1 of 4 stars; one submission).

Submission:

Dasa
Classification: Uncertain significance. Last evaluated: 2025-09-16. Review status: criteria provided, single submitter. Criteria: DASA Assertion Criteria. Collection method: clinical testing. Allele origin: germline.
Comment: NM_001378418.1(TCF20):c.1116_1118del (p.Ala374del) is an in-frame deletion predicted to remove alanine at protein position 374 without shifting the reading frame. This variant is absent from population databases. The currently available literature and clinical evidence are not sufficient to establish a definitive association between this variant and the reported condition. Therefore, this variant is classified as a variant of uncertain significance.

NM_001378418.1(TCF20):c.1116_1118del (p.Ala374del)

Gene: TCF20 (transcription factor 20; minus strand). Cytogenetic location: 22q13.2.
Variant type: Deletion.
Coding change: c.1116_1118del on transcript NM_001378418.1 (MANE Select); coding-DNA positions 1116 to 1118, 3 bases deleted (AGC; older notation c.1116_1118delAGC).
Protein change: p.Ala374del; deletes alanine 374.
Molecular consequence: inframe deletion.
Genome position (GRCh38, 1-based): chr22:42,214,188-42,214,190, GCT deleted on the plus strand (AGC on the coding strand, the reverse complement: TCF20 is on the minus strand); deleting any 3 consecutive bases within chr22:42,214,188-42,214,191 gives the same sequence; the c. name uses the placement nearest the transcript's 3' end. VCF-style (leftmost placement, unchanged base first): chr22-42214187-AGCT-A. GRCh37 (hg19) VCF-style: chr22-42610193-AGCT-A.
Other names: c.1116_1118del, p.Ala374del (NM_005650.4, NM_181492.3); short protein forms A374del.
Identifiers: ClinVar variation 4886336 (VCV004886336.2).